The following is an entry in ClinVar:

ClinVar aggregate classification (germline): Uncertain significance. Review status: criteria provided, single submitter (1 of 4 stars). 2 submissions from 2 submitters: Uncertain significance (1). 1 of the submissions does not count toward it. Last evaluated 2022-05-27.

Conditions:
SPG7-related disorder. Also called: SPG7-related condition.

Submissions (2):

Clinical Genetics Laboratory, Skane University Hospital Lund
Classification: Uncertain significance. Last evaluated: 2022-05-27. Review status: criteria provided, single submitter. Criteria: ACMG Guidelines, 2015. Collection method: clinical testing. Allele origin: germline. Affected: yes.

PreventionGenetics, part of Exact Sciences
Classification: Likely benign for SPG7-related condition. Last evaluated: 2022-12-07. Review status: no assertion criteria provided. Collection method: clinical testing. Allele origin: germline. Not counted in ClinVar's aggregate classification.
Comment: This variant is classified as likely benign based on ACMG/AMP sequence variant interpretation guidelines (Richards et al. 2015 PMID: 25741868, with internal and published modifications).

NM_003119.4(SPG7):c.184-3C>A

Gene: SPG7 (SPG7 matrix AAA peptidase subunit, paraplegin; plus strand). Cytogenetic location: 16q24.3.
Variant type: single nucleotide variant.
Coding change: c.184-3C>A on transcript NM_003119.4 (MANE Select); 3 bases into the intron before coding-DNA position 184, C replaced by A.
Molecular consequence: intron variant.
Genome position (GRCh38, 1-based): chr16:89,510,487, C>A. VCF-style: chr16-89510487-C-A. GRCh37 (hg19) VCF-style: chr16-89576895-C-A.
Other names: c.184-3C>A (NM_001363850.1, NM_199367.3).
Identifiers: ClinVar variation 3052221 (VCV003052221.3), dbSNP rs780601561, ClinGen allele CA286521098.
Genomic context (GRCh38, chr16:89,510,487, plus strand): 5'-GCATTGCTTTGGTACTCTCTAATGTTGGTGTGACCTCCAGTATTGTTTTTTTTTTTTTTT[C>A]AGAGCTTACAATTGAGACTGCTAACCCCTACCTTTGAAGGGATCAACGGATTGTTGTTGA-3'